The following is an entry in ClinVar:

ClinVar aggregate classification (germline): Benign/Likely benign. Review status: criteria provided, multiple submitters, no conflicts (2 of 4 stars). 13 submissions from 13 submitters: Benign (2); Likely benign (10). 1 of the submissions does not count toward it. Last evaluated 2026-01-31.

Conditions:
Breast and/or ovarian cancer. Identifiers: MedGen CN221562.
Hereditary cancer-predisposing syndrome. Also called: Tumor predisposition; Hereditary Cancer Syndrome; Hereditary neoplastic syndrome; Neoplastic Syndromes, Hereditary. Identifiers: Orphanet 140162, MedGen C0027672, MeSH D009386, MONDO:0015356.
Peutz-Jeghers syndrome (PJS). Also called: POLYPOSIS, HAMARTOMATOUS INTESTINAL; POLYPS-AND-SPOTS SYNDROME; Peutz-Jeghers polyposis; Periorificial lentiginosis syndrome. Identifiers: Orphanet 2869, MedGen C0031269, MeSH D010580, MONDO:0008280, OMIM 175200.

Allele frequency attached by ClinVar (database versions not stated): ExAC 0.00002; gnomAD exomes 0.00003 and 0.00004; gnomAD 0.00005 and 0.00006; TOPMed 0.00008; ESP Exome Variant Server 0.00016.
gnomAD v4.1: 77 of 1,613,418 alleles (0.0048%); highest among the groups gnomAD compares: Non-Finnish European, 0.0058%; no homozygotes.

Submissions (13):

Labcorp Genetics (formerly Invitae), Labcorp
Classification: Likely benign for Peutz-Jeghers syndrome. Last evaluated: 2026-01-31. Review status: criteria provided, single submitter. Criteria: Invitae Variant Classification Sherloc (09022015). Collection method: clinical testing. Allele origin: germline.

All of Us Research Program, National Institutes of Health
Classification: Likely benign for Peutz-Jeghers syndrome. Last evaluated: 2023-12-01. Review status: criteria provided, single submitter. Criteria: ACMG Guidelines, 2015. Collection method: clinical testing. Allele origin: germline. Inheritance: Autosomal dominant inheritance. Observed: 17 variant alleles, 17 heterozygotes.
Comment: This study involves interpretation of variants in research participants for the purpose of population health screening. Participant phenotype was not available at the time of variant classification. Additional details can be found in publication PMID: 35346344, PMCID: PMC8962531

CHEO Genetics Diagnostic Laboratory, Children's Hospital of Eastern Ontario
Classification: Likely benign for Breast and/or ovarian cancer. Last evaluated: 2023-06-22. Review status: criteria provided, single submitter. Criteria: ACMG Guidelines, 2015. Collection method: clinical testing. Allele origin: germline.

Myriad Genetics, Inc.
Classification: Benign for Peutz-Jeghers syndrome. Last evaluated: 2023-04-12. Review status: criteria provided, single submitter. Criteria: Myriad Autosomal Dominant, Autosomal Recessive and X-Linked Classification Criteria (2023). Collection method: clinical testing. Allele origin: unknown.
Comment: This variant is considered benign. This variant is a silent/synonymous amino acid change and it is not expected to impact splicing.

Department of Pathology and Laboratory Medicine, Sinai Health System
Classification: Likely benign for Peutz-Jeghers syndrome. Last evaluated: 2022-12-12. Review status: criteria provided, single submitter. Criteria: ACMG Guidelines, 2015. Collection method: clinical testing. Allele origin: germline. Affected: yes.

Women's Health and Genetics/Laboratory Corporation of America, LabCorp
Classification: Likely benign. Last evaluated: 2021-08-06. Review status: criteria provided, single submitter. Criteria: LabCorp Variant Classification Summary - May 2015. Collection method: clinical testing. Allele origin: germline.

Genome-Nilou Lab
Classification: Likely benign for Peutz-Jeghers syndrome. Last evaluated: 2021-07-15. Review status: criteria provided, single submitter. Criteria: ACMG Guidelines, 2015. Collection method: clinical testing. Allele origin: germline. Affected: no.

Sema4
Classification: Likely benign for Hereditary cancer-predisposing syndrome. Last evaluated: 2021-05-20. Review status: criteria provided, single submitter. Criteria: Sema4 Curation Guidelines. Collection method: curation. Allele origin: germline.

Quest Diagnostics Nichols Institute San Juan Capistrano
Classification: Likely benign. Last evaluated: 2021-01-04. Review status: criteria provided, single submitter. Criteria: Quest Diagnostics criteria. Collection method: clinical testing. Allele origin: unknown.

Color Diagnostics, LLC DBA Color Health
Classification: Likely benign for Hereditary cancer-predisposing syndrome. Last evaluated: 2015-07-17. Review status: criteria provided, single submitter. Criteria: ACMG Guidelines, 2015. Collection method: clinical testing. Allele origin: germline.

GeneDx
Classification: Benign. Last evaluated: 2015-03-03. Review status: criteria provided, single submitter. Criteria: GeneDx Variant Classification Process June 2021. Collection method: clinical testing. Allele origin: germline. Affected: yes.

Ambry Genetics
Classification: Likely benign for Hereditary cancer-predisposing syndrome. Last evaluated: 2014-10-30. Review status: criteria provided, single submitter. Criteria: Ambry Variant Classification Scheme 2023. Collection method: clinical testing. Allele origin: germline.

Counsyl
Classification: Likely benign for Peutz-Jeghers syndrome. Last evaluated: 2016-06-14. Review status: no assertion criteria provided. Collection method: clinical testing. Allele origin: unknown. Not counted in ClinVar's aggregate classification.

NM_000455.5(STK11):c.366G>A (p.Lys122=)

Gene: STK11 (serine/threonine kinase 11; plus strand). Cytogenetic location: 19p13.3.
Variant type: single nucleotide variant.
Coding change: c.366G>A on transcript NM_000455.5 (MANE Select); coding-DNA position 366, G replaced by A.
Protein change: p.Lys122=; no amino-acid change (lysine 122 retained).
Molecular consequence: synonymous variant.
Genome position (GRCh38, 1-based): chr19:1,218,492, G>A. VCF-style: chr19-1218492-G-A. GRCh37 (hg19) VCF-style: chr19-1218491-G-A.
Identifiers: ClinVar variation 184285 (VCV000184285.30), dbSNP rs376969448, ClinGen allele CA022843.
Genomic context (GRCh38, chr19:1,218,492, plus strand): 5'-GAGGAGGTTACGGCACAAAAATGTCATCCAGCTGGTGGATGTGTTATACAACGAAGAGAA[G>A]CAGAAAATATATCCTTTCCGGTGTTGGGACCGCGGGGCCTCCGTGGGAGGGGCTGGGGCC-3'
Protein context (NP_000446.1, residues 112-132): QLVDVLYNEE[Lys122=]QKMYMVMEYC